The following is an entry in ClinVar:

NM_000222.3(KIT):c.2325G>C (p.Gln775His)

Gene: KIT (KIT proto-oncogene, receptor tyrosine kinase; plus strand). Cytogenetic location: 4q12.
Variant type: single nucleotide variant.
Coding change: c.2325G>C on transcript NM_000222.3 (MANE Select); coding-DNA position 2325, G replaced by C.
Protein change: p.Gln775His; replaces glutamine 775 with histidine.
Molecular consequence: missense variant.
Genome position (GRCh38, 1-based): chr4:54,731,962, G>C. VCF-style: chr4-54731962-G-C. GRCh37 (hg19) VCF-style: chr4-55598128-G-C.
Other names: c.2313G>C, p.Gln771His (NM_001093772.2, NM_001385292.1); c.2328G>C, p.Gln776His (NM_001385284.1); c.2322G>C, p.Gln774His (NM_001385285.1); c.2310G>C, p.Gln770His (NM_001385286.1); c.2316G>C, p.Gln772His (NM_001385288.1); c.2325G>C, p.Gln775His (NM_001385290.1); short protein forms Q770H, Q774H, Q776H, Q772H, Q771H, Q775H.
Identifiers: ClinVar variation 2763195 (VCV002763195.4), dbSNP rs1285926777, ClinGen allele CA356911059.

ClinVar aggregate classification (germline): Uncertain significance. Review status: criteria provided, multiple submitters, no conflicts (2 of 4 stars). 2 submissions from 2 submitters: Uncertain significance (2). Last evaluated 2024-07-05.

Conditions:
Hereditary cancer-predisposing syndrome. Also called: Neoplastic Syndromes, Hereditary; Tumor predisposition; Hereditary Cancer Syndrome; Hereditary neoplastic syndrome. Identifiers: Orphanet 140162, MedGen C0027672, MeSH D009386, MONDO:0015356.
Gastrointestinal stromal tumor. Also called: Gastrointestinal stromal tumor, somatic; Gastrointestinal stroma tumor. Identifiers: Orphanet 44890, MedGen C0238198, MeSH D046152, MONDO:0011719, OMIM 606764, HP:0100723.

Submissions (2):

Ambry Genetics
Classification: Uncertain significance for Hereditary cancer-predisposing syndrome. Last evaluated: 2024-07-05. Review status: criteria provided, single submitter. Criteria: Ambry Variant Classification Scheme 2023. Collection method: clinical testing. Allele origin: germline.
Comment: The p.Q775H variant (also known as c.2325G>C), located in coding exon 16 of the KIT gene, results from a G to C substitution at nucleotide position 2325. The glutamine at codon 775 is replaced by histidine, an amino acid with highly similar properties. This amino acid position is conserved. In addition, this alteration is predicted to be deleterious by in silico analysis. Based on the available evidence, the clinical significance of this variant remains unclear.

Labcorp Genetics (formerly Invitae), Labcorp
Classification: Uncertain significance for Gastrointestinal stromal tumor. Last evaluated: 2023-09-25. Review status: criteria provided, single submitter. Criteria: Invitae Variant Classification Sherloc (09022015). Collection method: clinical testing. Allele origin: germline.
Comment: In summary, the available evidence is currently insufficient to determine the role of this variant in disease. Therefore, it has been classified as a Variant of Uncertain Significance. An algorithm developed to predict the effect of missense changes on protein structure and function (PolyPhen-2) suggests that this variant is likely to be tolerated. This variant has not been reported in the literature in individuals affected with KIT-related conditions. This variant is not present in population databases (gnomAD no frequency). This sequence change replaces glutamine, which is neutral and polar, with histidine, which is basic and polar, at codon 775 of the KIT protein (p.Gln775His).